The following is an entry in ClinVar:

NM_032776.3(JMJD1C):c.7084+3_7084+4dup

Gene: JMJD1C (jumonji domain containing 1C; minus strand). Cytogenetic location: 10q21.3.
Variant type: Duplication.
Coding change: c.7084+3_7084+4dup on transcript NM_032776.3 (MANE Select); bases 3 to 4 of the intron after coding-DNA position 7084, 2 bases duplicated (AA; older notation c.7084+3_7084+4dupAA).
Molecular consequence: intron variant.
Genome position (GRCh38, 1-based): chr10:63,183,442-63,183,443, TT duplicated on the plus strand (AA on the coding strand, the reverse complement: JMJD1C is on the minus strand); duplicating any 2 consecutive bases within chr10:63,183,442-63,183,444 gives the same sequence; the c. name uses the placement nearest the transcript's 3' end. VCF-style (leftmost placement, unchanged base first): chr10-63183441-G-GTT. GRCh37 (hg19) VCF-style: chr10-64943201-G-GTT.
Other names: c.6427+3_6427+4dup (NM_001322258.2, NM_001322254.2); c.6538+3_6538+4dup (NM_001318154.2, NM_001282948.2); c.6970+3_6970+4dup (NM_001322252.2); c.6220+3_6220+4dup (NM_001318153.2).
Identifiers: ClinVar variation 1010927 (VCV001010927.6), dbSNP rs1843729440, ClinGen allele CA1914880418.
Genomic context (GRCh38, chr10:63,183,441, plus strand): 5'-GGACAATACTAGTGAATGTGATTATTCAACTCTTATTTCAAAGACTACTTATTCTTTTAA[G>GTT]TTTACCTGCTTTTGAGAGAATGCCATTTCCTTTTGCTATGCCAACATAAACTAGTATATT-3'

ClinVar aggregate classification (germline): Uncertain significance (1 of 4 stars; one submission).

Conditions:
Early Myoclonic Encephalopathy. Identifiers: MedGen C0270855.

Submission:

Labcorp Genetics (formerly Invitae), Labcorp
Classification: Uncertain significance for Early Myoclonic Encephalopathy. Last evaluated: 2020-05-24. Review status: criteria provided, single submitter. Criteria: Invitae Variant Classification Sherloc (09022015). Collection method: clinical testing. Allele origin: germline.
Comment: In summary, the available evidence is currently insufficient to determine the role of this variant in disease. Therefore, it has been classified as a Variant of Uncertain Significance. Nucleotide substitutions within the consensus splice site are a relatively common cause of aberrant splicing (PMID: 17576681, 9536098). Algorithms developed to predict the effect of sequence changes on RNA splicing suggest that this variant is not likely to affect RNA splicing, but this prediction has not been confirmed by published transcriptional studies. This variant has not been reported in the literature in individuals with JMJD1C-related conditions. This variant is not present in population databases (ExAC no frequency). This sequence change falls in intron 22 of the JMJD1C gene. It does not directly change the encoded amino acid sequence of the JMJD1C protein, but it affects a nucleotide within the consensus splice site of the intron.

Literature cited by the submitters: PubMed 17576681; PubMed 9536098.